The following is an entry in ClinVar:

ClinVar aggregate classification (germline): Uncertain significance (1 of 4 stars; one submission).

Allele frequency attached by ClinVar (database versions not stated): gnomAD exomes below 0.00001.
gnomAD v4.1: 2 of 1,614,154 alleles (0.00012%); highest among the groups gnomAD compares: South Asian, 0.0011%; no homozygotes.

Submission:

Labcorp Genetics (formerly Invitae), Labcorp
Classification: Uncertain significance. Last evaluated: 2022-08-23. Review status: criteria provided, single submitter. Criteria: Invitae Variant Classification Sherloc (09022015). Collection method: clinical testing. Allele origin: germline.
Comment: In summary, the available evidence is currently insufficient to determine the role of this variant in disease. Therefore, it has been classified as a Variant of Uncertain Significance. Advanced modeling of protein sequence and biophysical properties (such as structural, functional, and spatial information, amino acid conservation, physicochemical variation, residue mobility, and thermodynamic stability) performed at Invitae indicates that this missense variant is not expected to disrupt MTOR protein function. ClinVar contains an entry for this variant (Variation ID: 1402787). This variant has not been reported in the literature in individuals affected with MTOR-related conditions. This variant is not present in population databases (gnomAD no frequency). This sequence change replaces isoleucine, which is neutral and non-polar, with valine, which is neutral and non-polar, at codon 205 of the MTOR protein (p.Ile205Val).

NM_004958.4(MTOR):c.613A>G (p.Ile205Val)

Gene: MTOR (mechanistic target of rapamycin kinase; minus strand). Cytogenetic location: 1p36.22.
Variant type: single nucleotide variant.
Coding change: c.613A>G on transcript NM_004958.4 (MANE Select); coding-DNA position 613, A replaced by G.
Protein change: p.Ile205Val; replaces isoleucine 205 with valine.
Molecular consequence: missense variant. On other transcripts: 5 prime UTR variant (1).
Genome position (GRCh38, 1-based): chr1:11,256,084, T>C on the plus strand (A>G on the coding strand, the complement: MTOR is on the minus strand). VCF-style: chr1-11256084-T-C. GRCh37 (hg19) VCF-style: chr1-11316141-T-C.
Other names: c.613A>G, p.Ile205Val (NM_001386500.1); c.-527A>G (NM_001386501.1); short protein forms I205V.
Identifiers: ClinVar variation 1402787 (VCV001402787.8), dbSNP rs1010800248, ClinGen allele CA17957772.